The following is an entry in ClinVar:

NM_002755.4(MAP2K1):c.43C>T (p.Pro15Ser)

Gene: MAP2K1 (mitogen-activated protein kinase kinase 1; plus strand). Cytogenetic location: 15q22.31.
Variant type: single nucleotide variant.
Coding change: c.43C>T on transcript NM_002755.4 (MANE Select); coding-DNA position 43, C replaced by T.
Protein change: p.Pro15Ser; replaces proline 15 with serine.
Molecular consequence: missense variant.
Genome position (GRCh38, 1-based): chr15:66,387,390, C>T. VCF-style: chr15-66387390-C-T. GRCh37 (hg19) VCF-style: chr15-66679728-C-T.
Other names: short protein forms P15S.
Identifiers: ClinVar variation 1513991 (VCV001513991.6), dbSNP rs916502006, ClinGen allele CA392931600.

ClinVar aggregate classification (germline): Uncertain significance (1 of 4 stars; one submission).

Conditions:
RASopathy. Also called: Noonan spectrum disorder; rasopathies. Identifiers: Orphanet 536391, MedGen C5555857, MONDO:0021060.

gnomAD v4.1: 1 of 1,566,126 alleles (0.000064%); highest among the groups gnomAD compares: Non-Finnish European, 0.000087%; no homozygotes.

Submission:

Labcorp Genetics (formerly Invitae), Labcorp
Classification: Uncertain significance for RASopathy. Last evaluated: 2021-08-19. Review status: criteria provided, single submitter. Criteria: Invitae Variant Classification Sherloc (09022015). Collection method: clinical testing. Allele origin: germline.
Comment: This variant has not been reported in the literature in individuals affected with MAP2K1-related conditions. This sequence change replaces proline with serine at codon 15 of the MAP2K1 protein (p.Pro15Ser). The proline residue is moderately conserved and there is a moderate physicochemical difference between proline and serine. This variant is not present in population databases (ExAC no frequency). Advanced modeling of protein sequence and biophysical properties (such as structural, functional, and spatial information, amino acid conservation, physicochemical variation, residue mobility, and thermodynamic stability) performed at Invitae indicates that this missense variant is not expected to disrupt MAP2K1 protein function. In summary, the available evidence is currently insufficient to determine the role of this variant in disease. Therefore, it has been classified as a Variant of Uncertain Significance.